The following is an entry in ClinVar:

ClinVar aggregate classification (germline): Pathogenic (1 of 4 stars; one submission).

Submission:

Labcorp Genetics (formerly Invitae), Labcorp
Classification: Pathogenic. Last evaluated: 2023-07-31. Review status: criteria provided, single submitter. Criteria: Invitae Variant Classification Sherloc (09022015). Collection method: clinical testing. Allele origin: germline.
Comment: For these reasons, this variant has been classified as Pathogenic. This variant has not been reported in the literature in individuals affected with UNC80-related conditions. This variant is not present in population databases (gnomAD no frequency). This sequence change creates a premature translational stop signal (p.Cys673*) in the UNC80 gene. It is expected to result in an absent or disrupted protein product. Loss-of-function variants in UNC80 are known to be pathogenic (PMID: 26545877, 26708751, 26708753).

Literature cited by the submitters: PubMed 26545877; PubMed 26708751; PubMed 26708753.

NM_001371986.1(UNC80):c.2019_2020del (p.Cys673_Asp674delinsTer)

Gene: UNC80 (unc-80 subunit of NALCN channel complex; plus strand). Cytogenetic location: 2q34.
Variant type: Microsatellite.
Coding change: c.2019_2020del on transcript NM_001371986.1 (MANE Select); coding-DNA positions 2019 to 2020, 2 bases deleted (TG; older notation c.2019_2020delTG).
Protein change: p.Cys673_Asp674delinsTer.
Molecular consequence: nonsense.
Genome position (GRCh38, 1-based): chr2:209,820,367-209,820,368, TG deleted; deleting any 2 consecutive bases within chr2:209,820,365-209,820,368 gives the same sequence; the c. name uses the placement nearest the transcript's 3' end. VCF-style (leftmost placement, unchanged base first): chr2-209820364-CTG-C. GRCh37 (hg19) VCF-style: chr2-210685088-CTG-C.
Other names: c.2019_2020del, p.Cys673_Asp674delinsTer (NM_032504.2, NM_182587.4).
Identifiers: ClinVar variation 2732838 (VCV002732838.3), dbSNP rs2470970320, ClinGen allele CA2697550322.